The following is an entry in ClinVar:

NM_006531.5(IFT88):c.2212C>T (p.Arg738Cys)

Gene: IFT88 (intraflagellar transport 88; plus strand). Cytogenetic location: 13q12.11.
Variant type: single nucleotide variant.
Coding change: c.2212C>T on transcript NM_006531.5 (MANE Select); coding-DNA position 2212, C replaced by T.
Protein change: p.Arg738Cys; replaces arginine 738 with cysteine.
Molecular consequence: missense variant. On other transcripts: non-coding transcript variant (5).
Genome position (GRCh38, 1-based): chr13:20,671,009, C>T. VCF-style: chr13-20671009-C-T. GRCh37 (hg19) VCF-style: chr13-21245148-C-T.
Other names: c.2155C>T, p.Arg719Cys (NM_001318491.2); c.2239C>T, p.Arg747Cys (NM_001318493.2, NM_001353565.2, NM_001353566.2 and 2 more transcripts); c.2212C>T, p.Arg738Cys (NM_001353568.2, NM_001353572.2); c.2137C>T, p.Arg713Cys (NM_001353569.2, NM_001353570.2, NM_001353576.2 and 1 more transcripts); c.2110C>T, p.Arg704Cys (NM_001353571.2, NM_001353578.2); c.2068C>T, p.Arg690Cys (NM_001353573.2); c.2053C>T, p.Arg685Cys (NM_001353574.2); c.2279C>T, p.Pro760Leu (NM_001353575.2); and 1 more; short protein forms R713C, R738C, P760L, R527C, R690C, R747C, R685C, R704C.
Identifiers: ClinVar variation 1918219 (VCV001918219.5), dbSNP rs770559035, ClinGen allele CA6905702.

ClinVar aggregate classification (germline): Uncertain significance (1 of 4 stars; one submission).

Allele frequency attached by ClinVar (database versions not stated): gnomAD exomes below 0.00001; TOPMed below 0.00001; ExAC 0.00001.
gnomAD v4.1: 4 of 1,613,938 alleles (0.00025%); highest among the groups gnomAD compares: Non-Finnish European, 0.00025%; no homozygotes.

Submission:

Labcorp Genetics (formerly Invitae), Labcorp
Classification: Uncertain significance. Last evaluated: 2021-12-25. Review status: criteria provided, single submitter. Criteria: Invitae Variant Classification Sherloc (09022015). Collection method: clinical testing. Allele origin: germline.
Comment: This sequence change replaces arginine, which is basic and polar, with cysteine, which is neutral and slightly polar, at codon 747 of the IFT88 protein (p.Arg747Cys). This variant is present in population databases (rs770559035, gnomAD 0.0009%). This variant has not been reported in the literature in individuals affected with IFT88-related conditions. Algorithms developed to predict the effect of missense changes on protein structure and function are either unavailable or do not agree on the potential impact of this missense change (SIFT: "Not Available"; PolyPhen-2: "Probably Damaging"; Align-GVGD: "Not Available"). In summary, the available evidence is currently insufficient to determine the role of this variant in disease. Therefore, it has been classified as a Variant of Uncertain Significance.